The following is an entry in ClinVar:

ClinVar aggregate classification (germline): Uncertain significance. Review status: criteria provided, multiple submitters, no conflicts (2 of 4 stars). 2 submissions from 2 submitters: Uncertain significance (2). Last evaluated 2025-03-29.

Conditions:
Inborn genetic diseases. Identifiers: MedGen C0950123, MeSH D030342.

gnomAD v4.1: 3 of 1,613,296 alleles (0.00019%); highest among the groups gnomAD compares: African/African-American, 0.0027%; no homozygotes.

Submissions (2):

Labcorp Genetics (formerly Invitae), Labcorp
Classification: Uncertain significance. Last evaluated: 2025-03-29. Review status: criteria provided, single submitter. Criteria: Invitae Variant Classification Sherloc (09022015). Collection method: clinical testing. Allele origin: germline.
Comment: This sequence change replaces arginine, which is basic and polar, with histidine, which is basic and polar, at codon 135 of the PLOD3 protein (p.Arg135His). This variant is present in population databases (no rsID available, gnomAD 0.003%). This variant has not been reported in the literature in individuals affected with PLOD3-related conditions. ClinVar contains an entry for this variant (Variation ID: 2227964). An algorithm developed to predict the effect of missense changes on protein structure and function outputs the following: PolyPhen-2: "Benign". The histidine amino acid residue is found in multiple mammalian species, which suggests that this missense change does not adversely affect protein function. In summary, the available evidence is currently insufficient to determine the role of this variant in disease. Therefore, it has been classified as a Variant of Uncertain Significance.

Ambry Genetics
Classification: Uncertain significance for Inborn genetic diseases. Last evaluated: 2020-11-10. Review status: criteria provided, single submitter. Criteria: Ambry Variant Classification Scheme 2023. Collection method: clinical testing. Allele origin: germline.
Comment: The c.404G>A (p.R135H) alteration is located in exon 4 (coding exon 4) of the PLOD3 gene. This alteration results from a G to A substitution at nucleotide position 404, causing the arginine (R) at amino acid position 135 to be replaced by a histidine (H). Based on data from the Genome Aggregation Database (gnomAD) database, the PLOD3 c.404G>A alteration was observed in <0.01% (1/281370) of total alleles studied. This amino acid position is poorly conserved in available vertebrate species. The p.R135H alteration is predicted to be tolerated by in silico analysis. Based on insufficient or conflicting evidence, the clinical significance of this alteration remains unclear.

NM_001084.5(PLOD3):c.404G>A (p.Arg135His)

Gene: PLOD3 (procollagen-lysine,2-oxoglutarate 5-dioxygenase 3; minus strand). Cytogenetic location: 7q22.1.
Variant type: single nucleotide variant.
Coding change: c.404G>A on transcript NM_001084.5 (MANE Select); coding-DNA position 404, G replaced by A.
Protein change: p.Arg135His; replaces arginine 135 with histidine.
Molecular consequence: missense variant.
Genome position (GRCh38, 1-based): chr7:101,216,261, C>T on the plus strand (G>A on the coding strand, the complement: PLOD3 is on the minus strand). VCF-style: chr7-101216261-C-T. GRCh37 (hg19) VCF-style: chr7-100859542-C-T.
Other names: short protein forms R135H.
Identifiers: ClinVar variation 2227964 (VCV002227964.3), dbSNP rs779637767, ClinGen allele CA368625569.